The following is an entry in ClinVar:

NM_001171613.2(PREPL):c.1827+3A>G

Genes: PREPL (prolyl endopeptidase like; minus strand), SLC3A1 (solute carrier family 3 member 1; plus strand). Cytogenetic location: 2p21.
Variant type: single nucleotide variant.
Coding change: c.1827+3A>G on transcript NM_001171613.2 (MANE Select); 3 bases into the intron after coding-DNA position 1827, A replaced by G.
Molecular consequence: intron variant.
Genome position (GRCh38, 1-based): chr2:44,321,824, T>C on the plus strand (A>G on the coding strand, the complement: PREPL is on the minus strand). VCF-style: chr2-44321824-T-C. GRCh37 (hg19) VCF-style: chr2-44548963-T-C.
Other names: c.1827+3A>G (NM_001171617.1, NM_001374277.1); c.2094+3A>G (NM_001171603.1, NM_001374275.1, NM_001374276.1 and 2 more transcripts); c.1908+3A>G (NM_001042385.2); c.1896+3A>G (NM_001042386.2).
Identifiers: ClinVar variation 1025280 (VCV001025280.5), dbSNP rs1228947728, ClinGen allele CA532295368.

ClinVar aggregate classification (germline): Uncertain significance (1 of 4 stars; one submission).

Conditions:
Myasthenic syndrome, congenital, 22 (CMS22). Also called: PREPL DEFICIENCY. Identifiers: MedGen C4479088, MONDO:0044299, OMIM 616224.

Allele frequency attached by ClinVar (database versions not stated): gnomAD exomes below 0.00001; TOPMed 0.00001.
gnomAD v4.1: 2 of 1,613,834 alleles (0.00012%); highest among the groups gnomAD compares: Non-Finnish European, 0.00017%; no homozygotes.

Submission:

Labcorp Genetics (formerly Invitae), Labcorp
Classification: Uncertain significance for Myasthenic syndrome, congenital, 22. Last evaluated: 2024-12-24. Review status: criteria provided, single submitter. Criteria: Invitae Variant Classification Sherloc (09022015). Collection method: clinical testing. Allele origin: germline.
Comment: This sequence change falls in intron 13 of the PREPL gene. It does not directly change the encoded amino acid sequence of the PREPL protein. It affects a nucleotide within the consensus splice site. This variant is present in population databases (no rsID available, gnomAD 0.0009%). This variant has been observed in individual(s) with clinical features of PREPL-related conditions (internal data). In at least one individual the data is consistent with being in trans (on the opposite chromosome) from a pathogenic variant. ClinVar contains an entry for this variant (Variation ID: 1025280). Variants that disrupt the consensus splice site are a relatively common cause of aberrant splicing (PMID: 17576681, 9536098). Algorithms developed to predict the effect of sequence changes on RNA splicing suggest that this variant may disrupt the consensus splice site. In summary, the available evidence is currently insufficient to determine the role of this variant in disease. Therefore, it has been classified as a Variant of Uncertain Significance.

Literature cited by the submitters: PubMed 17576681; PubMed 9536098.